The following is an entry in ClinVar:

ClinVar aggregate classification (germline): Uncertain significance (1 of 4 stars; one submission).

Conditions:
Retinitis pigmentosa 60 (RP60). Also called: PRPF 6-Related Retinitis Pigmentosa. Identifiers: Orphanet 791, MedGen C3151434, MONDO:0013516, OMIM 613983.

Allele frequency attached by ClinVar (database versions not stated): gnomAD 0.00001.
gnomAD v4.1: 2 of 1,613,302 alleles (0.00012%); highest among the groups gnomAD compares: Middle Eastern, 0.016%; no homozygotes.

Submission:

Ocular Genomics Institute, Massachusetts Eye and Ear
Classification: Uncertain significance for Retinitis pigmentosa 60. Last evaluated: 2021-04-08. Review status: criteria provided, single submitter. Criteria: ACMG Guidelines, 2015. Collection method: research. Allele origin: germline. Affected: yes.
Comment: Through a review of available evidence we were able to apply the following criteria: PM2. Based on this evidence we have classified this variant as Variant of Uncertain Significance.

NM_012469.4(PRPF6):c.2752G>A (p.Asp918Asn)

Gene: PRPF6 (pre-mRNA processing factor 6; plus strand). Cytogenetic location: 20q13.33.
Variant type: single nucleotide variant.
Coding change: c.2752G>A on transcript NM_012469.4 (MANE Select); coding-DNA position 2752, G replaced by A.
Protein change: p.Asp918Asn; replaces aspartic acid 918 with asparagine.
Molecular consequence: missense variant.
Genome position (GRCh38, 1-based): chr20:64,032,919, G>A. VCF-style: chr20-64032919-G-A. GRCh37 (hg19) VCF-style: chr20-62664272-G-A.
Other names: short protein forms D918N.
Identifiers: ClinVar variation 1065749 (VCV001065749.1), dbSNP rs765346207, ClinGen allele CA409748241.